The following is an entry in ClinVar:

ClinVar aggregate classification (germline): Uncertain significance (1 of 4 stars; one submission).

Conditions:
Autoimmune lymphoproliferative syndrome type 1. Also called: AUTOIMMUNE LYMPHOPROLIFERATIVE SYNDROME, TYPE I, AUTOSOMAL DOMINANT. Identifiers: Orphanet 3261, MedGen C2717884, MONDO:0011158, OMIM 601859.

Allele frequency attached by ClinVar (database versions not stated): TOPMed 0.00001; gnomAD 0.00001.

Submission:

Labcorp Genetics (formerly Invitae), Labcorp
Classification: Uncertain significance for Autoimmune lymphoproliferative syndrome. Last evaluated: 2022-04-17. Review status: criteria provided, single submitter. Criteria: Invitae Variant Classification Sherloc (09022015). Collection method: clinical testing. Allele origin: germline.
Comment: This sequence change replaces leucine, which is neutral and non-polar, with isoleucine, which is neutral and non-polar, at codon 107 of the FASLG protein (p.Leu107Ile). This variant is present in population databases (no rsID available, gnomAD 0.0009%). This variant has not been reported in the literature in individuals affected with FASLG-related conditions. ClinVar contains an entry for this variant (Variation ID: 660467). Algorithms developed to predict the effect of missense changes on protein structure and function are either unavailable or do not agree on the potential impact of this missense change (SIFT: "Deleterious"; PolyPhen-2: "Possibly Damaging"; Align-GVGD: "Class C0"). In summary, the available evidence is currently insufficient to determine the role of this variant in disease. Therefore, it has been classified as a Variant of Uncertain Significance.

NM_000639.3(FASLG):c.319C>A (p.Leu107Ile)

Gene: FASLG (Fas ligand; plus strand). Cytogenetic location: 1q24.3.
Variant type: single nucleotide variant.
Coding change: c.319C>A on transcript NM_000639.3 (MANE Select); coding-DNA position 319, C replaced by A.
Protein change: p.Leu107Ile; replaces leucine 107 with isoleucine.
Molecular consequence: missense variant.
Genome position (GRCh38, 1-based): chr1:172,659,520, C>A. VCF-style: chr1-172659520-C-A. GRCh37 (hg19) VCF-style: chr1-172628660-C-A.
Other names: c.319C>A, p.Leu107Ile (NM_001302746.2); short protein forms L107I.
Identifiers: ClinVar variation 660467 (VCV000660467.3), dbSNP rs748768839, ClinGen allele CA343805545.